The following is an entry in ClinVar:

ClinVar aggregate classification (germline): Benign. Review status: criteria provided, multiple submitters, no conflicts (2 of 4 stars). 4 submissions from 3 submitters: Benign (4). Last evaluated 2021-09-05.

Conditions:
Adams-Oliver syndrome 5 (AOS5). Identifiers: Orphanet 974, MedGen C4014970, MONDO:0014459, OMIM 616028.
Aortic valve disease 1 (AOVD1). Identifiers: MedGen C3887892, MONDO:0024523, OMIM 109730.

Allele frequency attached by ClinVar (database versions not stated): ESP Exome Variant Server 0.36199; gnomAD exomes 0.36413 and 0.43517; gnomAD 0.40689 and 0.41249; TOPMed 0.41514; ExAC 0.43030; 1000 Genomes Project 30x 0.52046; 1000 Genomes Project 0.52556.
gnomAD v4.1: 491,556 of 1,328,240 alleles (37%); highest among the groups gnomAD compares: East Asian, 86%; 98,189 homozygotes.

Submissions (4):

Genome-Nilou Lab
Classification: Benign for Adams-Oliver syndrome 5. Last evaluated: 2021-09-05. Review status: criteria provided, single submitter. Criteria: ACMG Guidelines, 2015. Collection method: clinical testing. Allele origin: germline. Affected: no.

Genome-Nilou Lab
Classification: Benign for Aortic valve disease 1. Last evaluated: 2021-09-05. Review status: criteria provided, single submitter. Criteria: ACMG Guidelines, 2015. Collection method: clinical testing. Allele origin: germline. Affected: no.

GeneDx
Classification: Benign. Last evaluated: 2018-06-16. Review status: criteria provided, single submitter. Criteria: GeneDx Variant Classification (06012015). Collection method: clinical testing. Allele origin: germline. Affected: yes.
Comment: This variant is considered likely benign or benign based on one or more of the following criteria: it is a conservative change, it occurs at a poorly conserved position in the protein, it is predicted to be benign by multiple in silico algorithms, and/or has population frequency not consistent with disease.

Breakthrough Genomics
Classification: Benign. Review status: criteria provided, single submitter. Criteria: ACMG Guidelines, 2015. Collection method: not provided. Allele origin: germline. Inheritance: Autosomal dominant inheritance. Affected: yes.

NM_017617.5(NOTCH1):c.1442-43C>T

Gene: NOTCH1 (notch receptor 1; minus strand). Cytogenetic location: 9q34.3.
Variant type: single nucleotide variant.
Coding change: c.1442-43C>T on transcript NM_017617.5 (MANE Select); 43 bases into the intron before coding-DNA position 1442, C replaced by T.
Molecular consequence: intron variant.
Genome position (GRCh38, 1-based): chr9:136,517,428, G>A on the plus strand (C>T on the coding strand, the complement: NOTCH1 is on the minus strand). VCF-style: chr9-136517428-G-A. GRCh37 (hg19) VCF-style: chr9-139411880-G-A.
Identifiers: ClinVar variation 678548 (VCV000678548.4), dbSNP rs9411254, ClinGen allele CA5341784.